The following is an entry in ClinVar:

ClinVar aggregate classification (germline): Uncertain significance (1 of 4 stars; one submission).

Conditions:
Fabry disease. Also called: Fabry's disease; ALPHA-GALACTOSIDASE A DEFICIENCY; ANDERSON-FABRY DISEASE; CERAMIDE TRIHEXOSIDASE DEFICIENCY; GLA DEFICIENCY; HEREDITARY DYSTOPIC LIPIDOSIS. Identifiers: Orphanet 324, MedGen C0002986, MONDO:0010526, OMIM 301500, HP:0001071. Disease mechanism: Fabry disease is due to inactivating mutations in the X-linked GLA gene resulting in deficiency of the enzyme Alpha Galactosidase-A., loss of function.

Submission:

Genomenon, Inc
Classification: Uncertain significance for Fabry disease. Last evaluated: 2026-09-08. Review status: criteria provided, single submitter. Criteria: Genomenon Sequence Variant Interpretation Standards - Updated. Collection method: curation. Allele origin: germline. Affected: no.
Comment: GLA p.Arg193Lys (c.578G>A) is a missense variant that changes the amino acid at codon 193 from Arginine to Lysine. This variant has been reported in the published literature (PMID:39468034). It is absent or not present at a significant frequency in gnomAD. In conclusion, we classify GLA p.Arg193Lys (c.578G>A) as a variant of uncertain significance.

Literature cited by the submitters: PubMed 39468034.

NM_000169.3(GLA):c.578G>A (p.Arg193Lys)

Genes: GLA (galactosidase alpha; minus strand), RPL36A-HNRNPH2 (RPL36A-HNRNPH2 readthrough; plus strand). Cytogenetic location: Xq22.1.
Variant type: single nucleotide variant.
Coding change: c.578G>A on transcript NM_000169.3 (MANE Select); coding-DNA position 578, G replaced by A.
Protein change: p.Arg193Lys; replaces arginine 193 with lysine.
Molecular consequence: missense variant. On other transcripts: non-coding transcript variant (2), intron variant (2).
Genome position (GRCh38, 1-based): chrX:101,400,727, C>T on the plus strand (G>A on the coding strand, the complement: GLA is on the minus strand). VCF-style: chrX-101400727-C-T. GRCh37 (hg19) VCF-style: chrX-100655715-C-T.
Other names: c.701G>A, p.Arg234Lys (NM_001406747.1); c.578G>A, p.Arg193Lys (NM_001406748.1); c.300+5270C>T (NM_001199973.2); c.177+8905C>T (NM_001199974.2); short protein forms R193K, R234K.
Identifiers: ClinVar variation 4974898 (VCV004974898.1).